The following is an entry in ClinVar:

NM_001267550.2(TTN):c.53069T>C (p.Leu17690Pro)

Genes: TTN (titin; minus strand), TTN-AS1 (TTN antisense RNA 1; plus strand), LOC126806425 (BRD4-independent group 4 enhancer GRCh37_chr2:179471933-179473132; plus strand). Cytogenetic location: 2q31.2.
Variant type: single nucleotide variant.
Coding change: c.53069T>C on transcript NM_001267550.2 (MANE Select); coding-DNA position 53069, T replaced by C.
Protein change: p.Leu17690Pro; replaces leucine 17690 with proline.
Molecular consequence: missense variant.
Genome position (GRCh38, 1-based): chr2:178,607,619, A>G on the plus strand (T>C on the coding strand, the complement: TTN is on the minus strand). VCF-style: chr2-178607619-A-G. GRCh37 (hg19) VCF-style: chr2-179472346-A-G.
Other names: c.48146T>C, p.Leu16049Pro (NM_001256850.1); c.25874T>C, p.Leu8625Pro (NM_003319.4); c.45365T>C, p.Leu15122Pro (NM_133378.4); c.26249T>C, p.Leu8750Pro (NM_133432.3); c.26450T>C, p.Leu8817Pro (NM_133437.4); short protein forms L17690P, L8750P, L8817P, L8625P, L16049P, L15122P.
Identifiers: ClinVar variation 404747 (VCV000404747.5), dbSNP rs370469461, ClinGen allele CA1993862.

ClinVar aggregate classification (germline): Uncertain significance. Review status: criteria provided, multiple submitters, no conflicts (2 of 4 stars). 3 submissions from 3 submitters: Uncertain significance (3). Last evaluated 2026-03-11.

Conditions:
TTN-related disorder. Also called: TTN-related disorders; TTN-related condition; TTN-related disease.
Autosomal recessive limb-girdle muscular dystrophy type 2J (LGMDR10). Also called: Limb-girdle muscular dystrophy, type 2J; MUSCULAR DYSTROPHY, LIMB-GIRDLE, AUTOSOMAL RECESSIVE 10. Identifiers: Orphanet 140922, MedGen C1837342, MONDO:0012127, OMIM 608807.
Dilated cardiomyopathy 1G (CMD1G). Identifiers: Orphanet 154, MedGen C1858763, MONDO:0011400, OMIM 604145.

Allele frequency attached by ClinVar (database versions not stated): gnomAD exomes below 0.00001 and 0.00001; ExAC 0.00002; TOPMed 0.00002; gnomAD 0.00003 and 0.00004.
gnomAD v4.1: 6 of 1,612,950 alleles (0.00037%); highest among the groups gnomAD compares: African/African-American, 0.0067%; no homozygotes.

Submissions (3):

PreventionGenetics, part of Exact Sciences
Classification: Uncertain significance for TTN-related condition. Last evaluated: 2026-03-11. Review status: criteria provided, single submitter. Criteria: ACMG Guidelines, 2015. Collection method: clinical testing. Allele origin: germline.
Comment: The TTN c.53069T>C variant is predicted to result in the amino acid substitution p.Leu17690Pro. To our knowledge, this variant has not been reported in the literature. This variant is reported in 0.0065% of alleles in individuals of African descent in gnomAD. At this time, the clinical significance of this variant is uncertain due to the absence of conclusive functional and genetic evidence.

Revvity Omics, Revvity
Classification: Uncertain significance. Last evaluated: 2023-10-03. Review status: criteria provided, single submitter. Criteria: ACMG Guidelines, 2015. Collection method: clinical testing. Allele origin: germline.

Labcorp Genetics (formerly Invitae), Labcorp
Classification: Uncertain significance for Dilated cardiomyopathy 1G; Autosomal recessive limb-girdle muscular dystrophy type 2J. Last evaluated: 2016-09-15. Review status: criteria provided, single submitter. Criteria: Invitae Variant Classification Sherloc (09022015). Collection method: clinical testing. Allele origin: germline.